The following is an entry in ClinVar:

ClinVar aggregate classification (germline): Benign/Likely benign. Review status: criteria provided, multiple submitters, no conflicts (2 of 4 stars). 3 submissions from 3 submitters: Benign (2); Likely benign (1). Last evaluated 2022-08-01.

Allele frequency attached by ClinVar (database versions not stated): 1000 Genomes Project 30x 0.00016; 1000 Genomes Project 0.00020; gnomAD 0.00182; TOPMed 0.00194; ESP Exome Variant Server 0.00215.
gnomAD v4.1: 4,536 of 1,614,102 alleles (0.28%); highest among the groups gnomAD compares: Non-Finnish European, 0.36%; 14 homozygotes.

Submissions (3):

CeGaT Center for Human Genetics Tuebingen
Classification: Likely benign. Last evaluated: 2022-08-01. Review status: criteria provided, single submitter. Criteria: CeGaT Center For Human Genetics Tuebingen Variant Classification Criteria Version 2. Collection method: clinical testing. Allele origin: germline. Affected: yes. Observed: 1 variant allele.
Comment: DHRS2: BP4, BP7

Labcorp Genetics (formerly Invitae), Labcorp
Classification: Benign. Last evaluated: 2018-03-28. Review status: criteria provided, single submitter. Criteria: Invitae Variant Classification Sherloc (09022015). Collection method: clinical testing. Allele origin: germline.

Breakthrough Genomics
Classification: Benign. Review status: criteria provided, single submitter. Criteria: ACMG Guidelines, 2015. Collection method: not provided. Allele origin: germline. Inheritance: Unknown mechanism. Affected: yes.

NM_005794.4(DHRS2):c.835C>A (p.Arg279=)

Gene: DHRS2 (dehydrogenase/reductase 2; plus strand). Cytogenetic location: 14q11.2.
Variant type: single nucleotide variant.
Coding change: c.835C>A on transcript NM_005794.4 (MANE Select); coding-DNA position 835, C replaced by A.
Protein change: p.Arg279=; no amino-acid change (arginine 279 retained).
Molecular consequence: synonymous variant.
Genome position (GRCh38, 1-based): chr14:23,645,245, C>A. VCF-style: chr14-23645245-C-A. GRCh37 (hg19) VCF-style: chr14-24114454-C-A.
Other names: c.846C>A, p.Leu282= (NM_182908.5).
Identifiers: ClinVar variation 713818 (VCV000713818.28), dbSNP rs61743862, ClinGen allele CA7119068.
Genomic context (GRCh38, chr14:23,645,245, plus strand): 5'-TGCTCTCCAGATGCCAGCTACGTCAACGGGGAGAACATTGCGGTGGCAGGCTACTCCACT[C>A]GGCTCTGAGAGGAGTGGGGGCGGCTGCGTAGCTGTGGTCCCAGGCCCAGGAGCCTGAGGG-3'
Protein context (NP_005785.1, residues 269-280): ENIAVAGYST[Arg279=]L